The following is an entry in ClinVar:

NM_001165963.4(SCN1A):c.3705+12T>G

Genes: SCN1A (sodium voltage-gated channel alpha subunit 1; minus strand), LOC102724058 (uncharacterized LOC102724058; plus strand). Cytogenetic location: 2q24.3.
Variant type: single nucleotide variant.
Coding change: c.3705+12T>G on transcript NM_001165963.4 (MANE Select); 12 bases into the intron after coding-DNA position 3705, T replaced by G.
Molecular consequence: intron variant.
Genome position (GRCh38, 1-based): chr2:166,013,732, A>C on the plus strand (T>G on the coding strand, the complement: SCN1A is on the minus strand). VCF-style: chr2-166013732-A-C. GRCh37 (hg19) VCF-style: chr2-166870242-A-C.
Other names: c.3672+12T>G (NM_001353949.2, NM_001353950.2, NM_001353951.2 and 2 more transcripts); c.3621+12T>G (NM_001353958.2, NM_001353957.2, NM_001165964.3); c.3705+12T>G (NM_001202435.3, NM_001353948.2); c.3669+12T>G (NM_001353955.2, NM_001353954.2); c.3618+12T>G (NM_001353960.2); c.1263+12T>G (NM_001353961.2).
Identifiers: ClinVar variation 206729 (VCV000206729.17), dbSNP rs147032678, ClinGen allele CA317099.

ClinVar aggregate classification (germline): Benign/Likely benign. Review status: criteria provided, multiple submitters, no conflicts (2 of 4 stars). 9 submissions from 8 submitters: Benign (4); Likely benign (5). Last evaluated 2026-07-01.

Conditions:
Inborn genetic diseases. Identifiers: MedGen C0950123, MeSH D030342.
Early-infantile DEE. Also called: Ohtahara syndrome; Early infantile epileptic encephalopathy with suppression bursts; Early infantile epileptic encephalopathy. Identifiers: Orphanet 1934, MedGen C0393706, MONDO:0800491.
Migraine, familial hemiplegic, 3. Identifiers: Orphanet 569, MedGen C1864987, MONDO:0012320, OMIM 609634.
Generalized epilepsy with febrile seizures plus, type 2 (GEFSP2). Also called: GEFS+, TYPE 2. Identifiers: Orphanet 36387, MedGen C1858673, MONDO:0011461, OMIM 604403.
Severe myoclonic epilepsy in infancy (DRVT). Also called: Dravet syndrome; Epileptic encephalopathy, early infantile, 6 (Dravet syndrome); DEVELOPMENTAL AND EPILEPTIC ENCEPHALOPATHY 6A; Severe Myoclonic Epilepsy in Infancy (SMEI); SEVERE MYOCLONIC EPILEPSY OF INFANCY. Identifiers: Orphanet 33069, MedGen C0751122, MONDO:0100135, OMIM 607208.
Developmental and epileptic encephalopathy 6B. Also called: Developmental and epileptic encephalopathy 6B, non-Dravet. Identifiers: MedGen C5543353, MONDO:0030268, OMIM 619317.

Allele frequency attached by ClinVar (database versions not stated): 1000 Genomes Project 0.00160; gnomAD 0.00168 and 0.00181; ESP Exome Variant Server 0.00200; TOPMed 0.00219; gnomAD exomes 0.00018 and 0.00046; ExAC 0.00059; 1000 Genomes Project 30x 0.00125.
gnomAD v4.1: 541 of 1,610,598 alleles (0.034%); highest among the groups gnomAD compares: African/African-American, 0.64%; 2 homozygotes.

Submissions (9):

CeGaT Center for Human Genetics Tuebingen
Classification: Likely benign. Last evaluated: 2026-07-01. Review status: criteria provided, single submitter. Criteria: CeGaT Center For Human Genetics Tuebingen Variant Classification Criteria Version 2. Collection method: clinical testing. Allele origin: germline. Affected: yes. Observed: 1 variant allele.
Comment: SCN1A: BS1

Labcorp Genetics (formerly Invitae), Labcorp
Classification: Benign for Early-infantile DEE. Last evaluated: 2026-01-24. Review status: criteria provided, single submitter. Criteria: Invitae Variant Classification Sherloc (09022015). Collection method: clinical testing. Allele origin: germline.

Ambry Genetics
Classification: Likely benign for Inborn genetic diseases. Last evaluated: 2025-05-01. Review status: criteria provided, single submitter. Criteria: Ambry Variant Classification Scheme 2023. Collection method: clinical testing. Allele origin: germline.

Blueprint Genetics
Classification: Likely benign. Last evaluated: 2024-04-15. Review status: criteria provided, single submitter. Criteria: ACMG Guidelines, 2015. Collection method: clinical testing. Allele origin: germline.

Fulgent Genetics
Classification: Likely benign for Generalized epilepsy with febrile seizures plus, type 2; Severe myoclonic epilepsy in infancy; Migraine, familial hemiplegic, 3; Developmental and epileptic encephalopathy 6B. Last evaluated: 2021-10-07. Review status: criteria provided, single submitter. Criteria: ACMG Guidelines, 2015. Collection method: clinical testing. Allele origin: unknown.

Illumina Laboratory Services, Illumina
Classification: Likely benign for Generalized epilepsy with febrile seizures plus, type 2. Last evaluated: 2018-01-13. Review status: criteria provided, single submitter. Criteria: ICSL Variant Classification Criteria 13 December 2019. Collection method: clinical testing. Allele origin: germline.
Comment: This variant was observed in the ICSL laboratory as part of a predisposition screen in an ostensibly healthy population. It had not been previously curated by ICSL or reported in the Human Gene Mutation Database (HGMD: prior to June 1st, 2018), and was therefore a candidate for classification through an automated scoring system. Utilizing variant allele frequency, disease prevalence and penetrance estimates, and inheritance mode, an automated score was calculated to assess if this variant is too frequent to cause the disease. Based on the score and internal cut-off values, a variant classified as likely benign is not then subjected to further curation. The score for this variant resulted in a classification of likely benign for this disease.

Illumina Laboratory Services, Illumina
Classification: Benign for Migraine, familial hemiplegic, 3. Last evaluated: 2018-01-13. Review status: criteria provided, single submitter. Criteria: ICSL Variant Classification Criteria 13 December 2019. Collection method: clinical testing. Allele origin: germline.
Comment: This variant was observed in the ICSL laboratory as part of a predisposition screen in an ostensibly healthy population. It had not been previously curated by ICSL or reported in the Human Gene Mutation Database (HGMD: prior to June 1st, 2018), and was therefore a candidate for classification through an automated scoring system. Utilizing variant allele frequency, disease prevalence and penetrance estimates, and inheritance mode, an automated score was calculated to assess if this variant is too frequent to cause the disease. Based on the score and internal cut-off values, a variant classified as benign is not then subjected to further curation. The score for this variant resulted in a classification of benign for this disease.

Women's Health and Genetics/Laboratory Corporation of America, LabCorp
Classification: Benign. Last evaluated: 2016-08-09. Review status: criteria provided, single submitter. Criteria: LabCorp Variant Classification Summary - May 2015. Collection method: clinical testing. Allele origin: germline.
Comment: Variant summary: The SCN1A c.3705+12T>G variant involves the alteration of a non-conserved intronic nucleotide. One in silico tool predicts a benign outcome for this variant. 5/5 splice prediction tools predict no significant impact on normal splicing. However, these predictions have yet to be confirmed by functional studies. This variant was found in 71/119620 control chromosomes, predominantly observed in the African subpopulation at a frequency of 0.0063279 (65/10272). This frequency is about 354 times the estimated maximal expected allele frequency of a pathogenic SCN1A variant (0.0000179), suggesting this is likely a benign polymorphism found primarily in the populations of African origin. In addition, one clinical diagnostic laboratories classified this variant as benign. The variant of interest has not, to our knowledge, been reported in affected individuals via publications and/or reputable databases/clinical diagnostic laboratories; nor evaluated for functional impact by in vivo/vitro studies. Taken together, this variant is classified as benign.

GeneDx
Classification: Benign. Last evaluated: 2014-09-19. Review status: criteria provided, single submitter. Criteria: GeneDx Variant Classification (06012015). Collection method: clinical testing. Allele origin: germline. Affected: yes.
Comment: This variant is considered likely benign or benign based on one or more of the following criteria: it is a conservative change, it occurs at a poorly conserved position in the protein, it is predicted to be benign by multiple in silico algorithms, and/or has population frequency not consistent with disease.